The following is an entry in ClinVar:

ClinVar aggregate classification (germline): Conflicting classifications of pathogenicity. Review status: criteria provided, conflicting classifications (1 of 4 stars). 3 submissions from 3 submitters: Likely pathogenic (2); Uncertain significance (1). Last evaluated 2024-04-17.

Conditions:
Autosomal recessive limb-girdle muscular dystrophy type 2E (LGMDR4). Also called: MUSCULAR DYSTROPHY, LIMB-GIRDLE, AUTOSOMAL RECESSIVE 4. Identifiers: Orphanet 119, MedGen C1858593, MONDO:0011423, OMIM 604286. Disease mechanism: Affects gamma-sarcoglycan and also disrupts the integrity of the entire sarcoglycan complex..

Submissions (3):

Revvity Omics, Revvity
Classification: Likely pathogenic for Autosomal recessive limb-girdle muscular dystrophy type 2E. Last evaluated: 2024-04-17. Review status: criteria provided, single submitter. Criteria: ACMG Guidelines, 2015. Collection method: clinical testing. Allele origin: germline.

Broad Center for Mendelian Genomics, Broad Institute of MIT and Harvard
Classification: Uncertain significance for Autosomal recessive limb-girdle muscular dystrophy type 2E. Last evaluated: 2018-12-03. Review status: criteria provided, single submitter. Criteria: ACMG Guidelines, 2015. Collection method: research. Allele origin: germline. Inheritance: Autosomal recessive inheritance. Affected: yes.
Comment: This variant was absent from large population studies and computational prediction tools and conservation analyses suggest that this variant may impact the protein, though this information is not predictive enough to determine pathogenicity. In summary, the clinical significance of the p.Gly93Ala variant is uncertain. ACMG/AMP Criteria applied: PM2, PP3 (Richards 2015).

Clinical Genetics Service, Universitary Hospital 12 de Octubre
Classification: Likely pathogenic for Autosomal recessive limb-girdle muscular dystrophy type 2E. Review status: criteria provided, single submitter. Criteria: ACMG Guidelines, 2015. Collection method: clinical testing. Allele origin: germline. Affected: yes.

NM_000232.5(SGCB):c.278G>C (p.Gly93Ala)

Gene: SGCB (sarcoglycan beta; minus strand). Cytogenetic location: 4q12.
Variant type: single nucleotide variant.
Coding change: c.278G>C on transcript NM_000232.5 (MANE Select); coding-DNA position 278, G replaced by C.
Protein change: p.Gly93Ala; replaces glycine 93 with alanine.
Molecular consequence: missense variant.
Genome position (GRCh38, 1-based): chr4:52,029,829, C>G on the plus strand (G>C on the coding strand, the complement: SGCB is on the minus strand). VCF-style: chr4-52029829-C-G. GRCh37 (hg19) VCF-style: chr4-52895995-C-G.
Other names: c.278G>C (NM_000232.4); short protein forms G93A.
Identifiers: ClinVar variation 813991 (VCV000813991.4), dbSNP rs1018529334, ClinGen allele CA356877477.
Genomic context (GRCh38, chr4:52,029,829, plus strand): 5'-ACTTGCTTAAATCGAAGCAGGCCACTTTCATGAAACTCCATACTATCACAGCCATTTGGT[C>G]CAATGCGAATCACGGCCCAAATAACAAGTGTTATCTGAAAAAGAACACAAGTCCACTGTT-3'
Protein context (NP_000223.1, residues 83-103): TLVIWAVIRI[Gly93Ala]PNGCDSMEFH